The following is an entry in ClinVar:

NM_001040108.2(MLH3):c.3326C>G (p.Pro1109Arg)

Gene: MLH3 (mutL homolog 3; minus strand). Cytogenetic location: 14q24.3.
Variant type: single nucleotide variant.
Coding change: c.3326C>G on transcript NM_001040108.2 (MANE Select); coding-DNA position 3326, C replaced by G.
Protein change: p.Pro1109Arg; replaces proline 1109 with arginine.
Molecular consequence: missense variant.
Genome position (GRCh38, 1-based): chr14:75,042,432, G>C on the plus strand (C>G on the coding strand, the complement: MLH3 is on the minus strand). VCF-style: chr14-75042432-G-C. GRCh37 (hg19) VCF-style: chr14-75509135-G-C.
Other names: c.3326C>G, p.Pro1109Arg (NM_014381.3); short protein forms P1109R.
Identifiers: ClinVar variation 1730248 (VCV001730248.3), dbSNP rs1566597786, ClinGen allele CA390431891.

ClinVar aggregate classification (germline): Uncertain significance (1 of 4 stars; one submission).

Allele frequency attached by ClinVar (database versions not stated): gnomAD exomes below 0.00001; TOPMed below 0.00001.
gnomAD v4.1: 2 of 1,614,148 alleles (0.00012%); highest among the groups gnomAD compares: Non-Finnish European, 0.00017%; no homozygotes.

Submission:

Ambry Genetics
Classification: Uncertain significance. Last evaluated: 2024-09-24. Review status: criteria provided, single submitter. Criteria: Ambry Variant Classification Scheme 2023. Collection method: clinical testing. Allele origin: germline.
Comment: The p.P1109R variant (also known as c.3326C>G), located in coding exon 2 of the MLH3 gene, results from a C to G substitution at nucleotide position 3326. The proline at codon 1109 is replaced by arginine, an amino acid with dissimilar properties. This amino acid position is conserved. In addition, this alteration is predicted to be deleterious by in silico analysis. Since supporting evidence is limited at this time, the clinical significance of this alteration remains unclear.